The following is an entry in ClinVar:

NM_000535.7(PMS2):c.2354A>T (p.Glu785Val)

Gene: PMS2 (PMS1 homolog 2, mismatch repair system component; minus strand). Cytogenetic location: 7p22.1.
Variant type: single nucleotide variant.
Coding change: c.2354A>T on transcript NM_000535.7 (MANE Select); coding-DNA position 2354, A replaced by T.
Protein change: p.Glu785Val; replaces glutamic acid 785 with valine.
Molecular consequence: missense variant. On other transcripts: non-coding transcript variant (1).
Genome position (GRCh38, 1-based): chr7:5,977,679, T>A on the plus strand (A>T on the coding strand, the complement: PMS2 is on the minus strand). VCF-style: chr7-5977679-T-A. GRCh37 (hg19) VCF-style: chr7-6017310-T-A.
Other names: c.1949A>T, p.Glu650Val (NM_001322003.2, NM_001322004.2, NM_001322005.2 and 11 more transcripts); c.2198A>T, p.Glu733Val (NM_001322006.2); c.2036A>T, p.Glu679Val (NM_001322007.2, NM_001322008.2, NM_001406883.1); c.1982A>T, p.Glu661Val (NM_001322009.2, NM_001406887.1, NM_001406888.1); c.1793A>T, p.Glu598Val (NM_001322010.2, NM_001406906.1, NM_001406907.1); c.1421A>T, p.Glu474Val (NM_001322011.2, NM_001322012.2); c.2156A>T, p.Glu719Val (NM_001406873.1); c.2186A>T, p.Glu729Val (NM_001406874.1, NM_001406872.1); and 20 more; short protein forms E384V, E474V, E528V, E546V, E594V, E598V, E614V, E623V.
Identifiers: ClinVar variation 4862093 (VCV004862093.1).

ClinVar aggregate classification (germline): Uncertain significance (1 of 4 stars; one submission).

Conditions:
Hereditary cancer-predisposing syndrome. Also called: Neoplastic Syndromes, Hereditary; Tumor predisposition; Hereditary Cancer Syndrome; Hereditary neoplastic syndrome. Identifiers: Orphanet 140162, MedGen C0027672, MeSH D009386, MONDO:0015356.

Submission:

Ambry Genetics
Classification: Uncertain significance for Hereditary cancer-predisposing syndrome. Last evaluated: 2026-03-24. Review status: criteria provided, single submitter. Criteria: Ambry Variant Classification Scheme 2023. Collection method: clinical testing. Allele origin: germline.
Comment: The p.E785V variant (also known as c.2354A>T), located in coding exon 14 of the PMS2 gene, results from an A to T substitution at nucleotide position 2354. The glutamic acid at codon 785 is replaced by valine, an amino acid with dissimilar properties. This amino acid position is conserved. In addition, this alteration is predicted to be deleterious by in silico analysis. Based on the available evidence, the clinical significance of this variant remains unclear.